The following is an entry in ClinVar:

ClinVar aggregate classification (germline): Likely benign (1 of 4 stars; one submission).

Submission:

CeGaT Center for Human Genetics Tuebingen
Classification: Likely benign. Last evaluated: 2026-03-01. Review status: criteria provided, single submitter. Criteria: CeGaT Center For Human Genetics Tuebingen Variant Classification Criteria Version 2. Collection method: clinical testing. Allele origin: germline. Affected: yes. Observed: 1 variant allele.
Comment: PLEC: PM2:Supporting, BP4, BP7

NM_201378.4(PLEC):c.71-3758G>T

Genes: PLEC (plectin; minus strand), LOC130001342 (ATAC-STARR-seq lymphoblastoid silent region 19633; plus strand). Cytogenetic location: 8q24.3.
Variant type: single nucleotide variant.
Coding change: c.71-3758G>T on transcript NM_201378.4 (MANE Plus Clinical); 3758 bases into the intron before coding-DNA position 71, G replaced by T.
Molecular consequence: intron variant. On other transcripts: synonymous variant (1).
Genome position (GRCh38, 1-based): chr8:143,942,450, C>A on the plus strand (G>T on the coding strand, the complement: PLEC is on the minus strand). VCF-style: chr8-143942450-C-A. GRCh37 (hg19) VCF-style: chr8-145016618-C-A.
Other names: c.66G>T, p.Leu22= (NM_201383.3); c.194-3758G>T (NM_001410941.1, NM_000445.5); c.47-3758G>T (NM_201379.3); c.524-3758G>T (NM_201380.4); c.16+2198G>T (NM_201381.3); c.112+1329G>T (NM_201382.4).
Identifiers: ClinVar variation 4823401 (VCV004823401.4).